The following is an entry in ClinVar:

NM_000069.3(CACNA1S):c.4995C>T (p.Asn1665=)

Gene: CACNA1S (calcium voltage-gated channel subunit alpha1 S; minus strand). Cytogenetic location: 1q32.1.
Variant type: single nucleotide variant.
Coding change: c.4995C>T on transcript NM_000069.3 (MANE Select); coding-DNA position 4995, C replaced by T.
Protein change: p.Asn1665=; no amino-acid change (asparagine 1665 retained).
Molecular consequence: synonymous variant.
Genome position (GRCh38, 1-based): chr1:201,043,334, G>A on the plus strand (C>T on the coding strand, the complement: CACNA1S is on the minus strand). VCF-style: chr1-201043334-G-A. GRCh37 (hg19) VCF-style: chr1-201012462-G-A.
Identifiers: ClinVar variation 473999 (VCV000473999.15), dbSNP rs183440052, ClinGen allele CA083648.
Genomic context (GRCh38, chr1:201,043,334, plus strand): 5'-CCACTACCTGGAAAACACATGGCTGTTGCTATGGTTGCTGTTGCCATAGGCGACATTGGC[G>A]TTGGCATTGTTGGTATTGGCACGAGCCAGGGGGTTGGTGCGTGGATCTTGTGGGAAGTCC-3'
Protein context (NP_000060.2, residues 1655-1675): PLARANTNNA[Asn1665=]ANVAYGNSNH

ClinVar aggregate classification (germline): Likely benign. Review status: criteria provided, multiple submitters, no conflicts (2 of 4 stars). 5 submissions from 5 submitters: Likely benign (5). Last evaluated 2025-12-11.

Conditions:
CACNA1S-related disorder. Also called: CACNA1S-related condition.
Hypokalemic periodic paralysis, type 1. Also called: HypoPP; Hypokalemic Periodic Paralysis Type 1 (AD). Identifiers: Orphanet 681, MedGen C3714580, MONDO:0042979, OMIM 170400.
Malignant hyperthermia, susceptibility to, 5 (MHS5). Also called: CACNA1S-Related Malignant Hyperthermia Susceptibility. Identifiers: Orphanet 423, MedGen C1866077, MONDO:0011163, OMIM 601887.

Allele frequency attached by ClinVar (database versions not stated): TOPMed 0.00011; gnomAD 0.00012; ESP Exome Variant Server 0.00015; 1000 Genomes Project 30x 0.00016; 1000 Genomes Project 0.00020; ExAC 0.00005; gnomAD exomes 0.00005.
gnomAD v4.1: 66 of 1,614,210 alleles (0.0041%); highest among the groups gnomAD compares: African/African-American, 0.023%; no homozygotes.

Submissions (5):

Labcorp Genetics (formerly Invitae), Labcorp
Classification: Likely benign for Hypokalemic periodic paralysis, type 1; Malignant hyperthermia, susceptibility to, 5. Last evaluated: 2025-12-11. Review status: criteria provided, single submitter. Criteria: Invitae Variant Classification Sherloc (09022015). Collection method: clinical testing. Allele origin: germline.

PreventionGenetics, part of Exact Sciences
Classification: Likely benign for CACNA1S-related condition. Last evaluated: 2024-11-15. Review status: criteria provided, single submitter. Criteria: ACMG Guidelines, 2015. Collection method: clinical testing. Allele origin: germline.
Comment: This variant is classified as likely benign based on ACMG/AMP sequence variant interpretation guidelines (Richards et al. 2015 PMID: 25741868, with internal and published modifications).

All of Us Research Program, National Institutes of Health
Classification: Likely benign for Malignant hyperthermia, susceptibility to, 5. Last evaluated: 2023-12-01. Review status: criteria provided, single submitter. Criteria: ACMG Guidelines, 2015. Collection method: clinical testing. Allele origin: germline. Inheritance: Autosomal dominant inheritance. Observed: 9 variant alleles, 9 heterozygotes.
Comment: This study involves interpretation of variants in research participants for the purpose of population health screening. Participant phenotype was not available at the time of variant classification. Additional details can be found in publication PMID: 35346344, PMCID: PMC8962531

Blueprint Genetics
Classification: Likely benign. Last evaluated: 2023-09-01. Review status: criteria provided, single submitter. Criteria: ACMG Guidelines, 2015. Collection method: clinical testing. Allele origin: germline.

Color Diagnostics, LLC DBA Color Health
Classification: Likely benign for Malignant hyperthermia, susceptibility to, 5. Last evaluated: 2022-11-06. Review status: criteria provided, single submitter. Criteria: ACMG Guidelines, 2015. Collection method: clinical testing. Allele origin: germline.